The following is an entry in ClinVar:

NM_000540.3(RYR1):c.1423A>T (p.Ser475Cys)

Gene: RYR1 (ryanodine receptor 1; plus strand). Cytogenetic location: 19q13.2.
Variant type: single nucleotide variant.
Coding change: c.1423A>T on transcript NM_000540.3 (MANE Select); coding-DNA position 1423, A replaced by T.
Protein change: p.Ser475Cys; replaces serine 475 with cysteine.
Molecular consequence: missense variant.
Genome position (GRCh38, 1-based): chr19:38,452,997, A>T. VCF-style: chr19-38452997-A-T. GRCh37 (hg19) VCF-style: chr19-38943637-A-T.
Other names: c.1423A>T, p.Ser475Cys (NM_001042723.2); short protein forms S475C.
Identifiers: ClinVar variation 581618 (VCV000581618.32), dbSNP rs771464102, ClinGen allele CA061008.
Genomic context (GRCh38, chr19:38,452,997, plus strand): 5'-TCCGAGGACTTGCAGCACGAGGAGAAGCAGAGCAAGCTGCGAAGCCTGCGCAACCGCCAG[A>T]GCCTCTTCCAGGAGGAGGTGAGGACGTGGCGAGGGCGGAGCGGGGCCTGTGGGCCCAGGG-3'
Protein context (NP_000531.2, residues 465-485): SKLRSLRNRQ[Ser475Cys]LFQEEGMLSM

ClinVar aggregate classification (germline): Uncertain significance. Review status: criteria provided, multiple submitters, no conflicts (2 of 4 stars). 4 submissions from 4 submitters: Uncertain significance (4). Last evaluated 2026-03-01.

Conditions:
RYR1-related disorder. Also called: RYR1-related condition; RYR1-related disorders. Identifiers: MedGen CN239331.
Malignant hyperthermia, susceptibility to, 1 (MHS1). Also called: Anesthesia related hyperthermia; Malignant hyperpyrexia; Fulminating hyperpyrexia; Pharmacogenic myopathy; RYR1-Related Malignant Hyperthermia Susceptibility; Malignant hyperthermia suceptibility 1. Identifiers: Orphanet 423, MedGen C2930980, MONDO:0007783, OMIM 145600.

Allele frequency attached by ClinVar (database versions not stated): TOPMed below 0.00001; gnomAD 0.00001; gnomAD exomes 0.00001; ExAC 0.00002.

Submissions (4):

CeGaT Center for Human Genetics Tuebingen
Classification: Uncertain significance. Last evaluated: 2026-03-01. Review status: criteria provided, single submitter. Criteria: CeGaT Center For Human Genetics Tuebingen Variant Classification Criteria Version 2. Collection method: clinical testing. Allele origin: germline. Affected: yes. Observed: 1 variant allele.
Comment: RYR1: PM2

Color Diagnostics, LLC DBA Color Health
Classification: Uncertain significance for Malignant hyperthermia, susceptibility to, 1. Last evaluated: 2025-07-25. Review status: criteria provided, single submitter. Criteria: ACMG Guidelines, 2015. Collection method: clinical testing. Allele origin: germline.
Comment: This missense variant replaces serine with cysteine at codon 475 of the RYR1 protein. Computational prediction is inconclusive regarding the impact of this variant on protein structure and function. To our knowledge, functional studies have not been reported for this variant. This variant has not been reported in individuals affected with RYR1-related disorders in the literature. This variant has been identified in 2/247892 chromosomes in the general population by the Genome Aggregation Database (gnomAD). The available evidence is insufficient to determine the role of this variant in disease conclusively. Therefore, this variant is classified as a Variant of Uncertain Significance.

Labcorp Genetics (formerly Invitae), Labcorp
Classification: Uncertain significance for RYR1-related disorder. Last evaluated: 2022-03-17. Review status: criteria provided, single submitter. Criteria: Invitae Variant Classification Sherloc (09022015). Collection method: clinical testing. Allele origin: germline.
Comment: This sequence change replaces serine, which is neutral and polar, with cysteine, which is neutral and slightly polar, at codon 475 of the RYR1 protein (p.Ser475Cys). In summary, the available evidence is currently insufficient to determine the role of this variant in disease. Therefore, it has been classified as a Variant of Uncertain Significance. Advanced modeling of protein sequence and biophysical properties (such as structural, functional, and spatial information, amino acid conservation, physicochemical variation, residue mobility, and thermodynamic stability) performed at Invitae indicates that this missense variant is not expected to disrupt RYR1 protein function. ClinVar contains an entry for this variant (Variation ID: 581618). This variant has not been reported in the literature in individuals affected with RYR1-related conditions. This variant is present in population databases (rs771464102, gnomAD 0.002%).

Revvity Omics, Revvity
Classification: Uncertain significance. Last evaluated: 2019-03-05. Review status: criteria provided, single submitter. Criteria: ACMG Guidelines, 2015. Collection method: clinical testing. Allele origin: germline.